The following is an entry in ClinVar:

NM_001182.5(ALDH7A1):c.*2499G>A

Gene: ALDH7A1 (aldehyde dehydrogenase 7 family member A1; minus strand). Cytogenetic location: 5q23.2.
Variant type: single nucleotide variant.
Coding change: c.*2499G>A on transcript NM_001182.5 (MANE Select); 2499 bases downstream of the stop codon, G replaced by A.
Molecular consequence: 3 prime UTR variant.
Genome position (GRCh38, 1-based): chr5:126,542,466, C>T on the plus strand (G>A on the coding strand, the complement: ALDH7A1 is on the minus strand). VCF-style: chr5-126542466-C-T. GRCh37 (hg19) VCF-style: chr5-125878158-C-T.
Other names: c.*2499G>A (NM_001201377.2, NM_001202404.2).
Identifiers: ClinVar variation 350531 (VCV000350531.5), dbSNP rs7715516, ClinGen allele CA10622341.

ClinVar aggregate classification (germline): Benign (1 of 4 stars; one submission).

Conditions:
Pyridoxine-dependent epilepsy (EPEO4). Also called: Pyridoxine-Dependent Epilepsy - ALDH7A1; PYRIDOXINE DEPENDENCY WITH SEIZURES; EPILEPSY, EARLY-ONSET, 4, VITAMIN B6-DEPENDENT; Pyridoxine-Dependent Seizures. Identifiers: Orphanet 3006, MedGen C1849508, MONDO:0009945, OMIM 266100. Disease mechanism: loss of function.

Allele frequency attached by ClinVar (database versions not stated): 1000 Genomes Project 30x 0.48048; TOPMed 0.50465; 1000 Genomes Project 0.48562; gnomAD 0.52610 and 0.52926; gnomAD exomes 0.61628.
gnomAD v4.1: 80,364 of 151,894 alleles (53%); highest among the groups gnomAD compares: South Asian, 61%; 22,040 homozygotes.

Submission:

Illumina Laboratory Services, Illumina
Classification: Benign for Pyridoxine-dependent epilepsy. Last evaluated: 2018-01-13. Review status: criteria provided, single submitter. Criteria: ICSL Variant Classification Criteria 13 December 2019. Collection method: clinical testing. Allele origin: germline.
Comment: This variant was observed in the ICSL laboratory as part of a predisposition screen in an ostensibly healthy population. It had not been previously curated by ICSL or reported in the Human Gene Mutation Database (HGMD: prior to June 1st, 2018), and was therefore a candidate for classification through an automated scoring system. Utilizing variant allele frequency, disease prevalence and penetrance estimates, and inheritance mode, an automated score was calculated to assess if this variant is too frequent to cause the disease. Based on the score and internal cut-off values, a variant classified as benign is not then subjected to further curation. The score for this variant resulted in a classification of benign for this disease.